The following is an entry in ClinVar:

ClinVar aggregate classification (germline): Uncertain significance. Review status: criteria provided, multiple submitters, no conflicts (2 of 4 stars). 2 submissions from 2 submitters: Uncertain significance (2). Last evaluated 2024-01-02.

Conditions:
Epileptic encephalopathy. Identifiers: MedGen C0543888, HP:0200134.

Allele frequency attached by ClinVar (database versions not stated): gnomAD exomes below 0.00001; gnomAD 0.00001; TOPMed 0.00002.
gnomAD v4.1: 4 of 1,613,844 alleles (0.00025%); highest among the groups gnomAD compares: African/African-American, 0.0013%; no homozygotes.

Submissions (2):

Ambry Genetics
Classification: Uncertain significance. Last evaluated: 2024-01-02. Review status: criteria provided, single submitter. Criteria: Ambry Variant Classification Scheme 2023. Collection method: clinical testing. Allele origin: germline.

Labcorp Genetics (formerly Invitae), Labcorp
Classification: Uncertain significance for Epileptic encephalopathy. Last evaluated: 2018-11-30. Review status: criteria provided, single submitter. Criteria: Invitae Variant Classification Sherloc (09022015). Collection method: clinical testing. Allele origin: germline.
Comment: In summary, the available evidence is currently insufficient to determine the role of this variant in disease. Therefore, it has been classified as a Variant of Uncertain Significance. This sequence change replaces alanine with proline at codon 4568 of the RYR3 protein (p.Ala4568Pro). The alanine residue is highly conserved and there is a small physicochemical difference between alanine and proline. This variant is not present in population databases (ExAC no frequency). This variant has not been reported in the literature in individuals with RYR3-related conditions. Algorithms developed to predict the effect of missense changes on protein structure and function are either unavailable or do not agree on the potential impact of this missense change (SIFT: "Deleterious"; PolyPhen-2: "Benign"; Align-GVGD: "Class C0").

NM_001036.6(RYR3):c.13702G>C (p.Ala4568Pro)

Genes: AVEN (apoptosis and caspase activation inhibitor; minus strand), RYR3 (ryanodine receptor 3; plus strand), LOC126862094 (CDK7 strongly-dependent group 2 enhancer GRCh37_chr15:34145183-34146382; plus strand). Cytogenetic location: 15q14.
Variant type: single nucleotide variant.
Coding change: c.13702G>C on transcript NM_001036.6 (MANE Select); coding-DNA position 13702, G replaced by C.
Protein change: p.Ala4568Pro; replaces alanine 4568 with proline.
Molecular consequence: missense variant.
Genome position (GRCh38, 1-based): chr15:33,853,585, G>C. VCF-style: chr15-33853585-G-C. GRCh37 (hg19) VCF-style: chr15-34145786-G-C.
Other names: c.13687G>C, p.Ala4563Pro (NM_001243996.4); c.13702G>C (NM_001036.3); short protein forms A4568P, A4563P.
Identifiers: ClinVar variation 655305 (VCV000655305.10), dbSNP rs994746145, ClinGen allele CA268613057.